The following is an entry in ClinVar:

ClinVar aggregate classification (germline): Uncertain significance (1 of 4 stars; one submission).

Allele frequency attached by ClinVar (database versions not stated): gnomAD 0.00001.

Submission:

Labcorp Genetics (formerly Invitae), Labcorp
Classification: Uncertain significance. Last evaluated: 2022-07-13. Review status: criteria provided, single submitter. Criteria: Invitae Variant Classification Sherloc (09022015). Collection method: clinical testing. Allele origin: germline.
Comment: This sequence change replaces alanine, which is neutral and non-polar, with glycine, which is neutral and non-polar, at codon 4 of the SLC18A3 protein (p.Ala4Gly). This variant is not present in population databases (gnomAD no frequency). This variant has not been reported in the literature in individuals affected with SLC18A3-related conditions. Algorithms developed to predict the effect of missense changes on protein structure and function (SIFT, PolyPhen-2, Align-GVGD) all suggest that this variant is likely to be tolerated. In summary, the available evidence is currently insufficient to determine the role of this variant in disease. Therefore, it has been classified as a Variant of Uncertain Significance.

NM_003055.3(SLC18A3):c.11C>G (p.Ala4Gly)

Genes: CHAT (choline O-acetyltransferase; plus strand), SLC18A3 (solute carrier family 18 member A3; plus strand). Cytogenetic location: 10q11.23.
Variant type: single nucleotide variant.
Coding change: c.11C>G on transcript NM_003055.3 (MANE Select); coding-DNA position 11, C replaced by G.
Protein change: p.Ala4Gly; replaces alanine 4 with glycine.
Molecular consequence: missense variant. On other transcripts: intron variant (1).
Genome position (GRCh38, 1-based): chr10:49,610,751, C>G. VCF-style: chr10-49610751-C-G. GRCh37 (hg19) VCF-style: chr10-50818797-C-G.
Other names: c.-69+1552C>G (NM_020984.4); short protein forms A4G.
Identifiers: ClinVar variation 2178305 (VCV002178305.1), dbSNP rs1838268773, ClinGen allele CA376715025.